The following is an entry in ClinVar:

NM_001943.5(DSG2):c.1423G>C (p.Asp475His)

Gene: DSG2 (desmoglein 2; plus strand). Cytogenetic location: 18q12.1.
Variant type: single nucleotide variant.
Coding change: c.1423G>C on transcript NM_001943.5 (MANE Select); coding-DNA position 1423, G replaced by C.
Protein change: p.Asp475His; replaces aspartic acid 475 with histidine.
Molecular consequence: missense variant.
Genome position (GRCh38, 1-based): chr18:31,535,412, G>C. VCF-style: chr18-31535412-G-C. GRCh37 (hg19) VCF-style: chr18-29115375-G-C.
Other names: short protein forms D475H.
Identifiers: ClinVar variation 3000954 (VCV003000954.5), dbSNP rs187091767, ClinGen allele CA042372.
Genomic context (GRCh38, chr18:31,535,412, plus strand): 5'-TTTGAATCTAGATATGTTCAAAATGGCACATACACTGTAAAGATTGTGGCCATATCAGAA[G>C]GTAAGTTATTAAATAGATCTTTTTCTTGATTATATGTATTTAGATTTTTATTTTCCAACA-3'
Protein context (NP_001934.2, residues 465-485): YTVKIVAISE[Asp475His]YPRKTITGTV

ClinVar aggregate classification (germline): Uncertain significance. Review status: criteria provided, multiple submitters, no conflicts (2 of 4 stars). 3 submissions from 3 submitters: Uncertain significance (3). Last evaluated 2026-03-15.

Conditions:
Arrhythmogenic right ventricular dysplasia 10. Also called: Arrhythmogenic Right Ventricular Dysplasia/Cardiomyopathy10; Arrhythmogenic right ventricular dysplasia/cardiomyopathy, type 10; ARRHYTHMOGENIC RIGHT VENTRICULAR DYSPLASIA, FAMILIAL, 10. Identifiers: MedGen C1857777, MONDO:0012434, OMIM 610193.
Arrhythmogenic right ventricular cardiomyopathy (ARVD). Also called: Arrhythmogenic cardiomyopathy; Arrhythmogenic Right Ventricular Cardiomyopathy (ARVC); Cardiomyopathy, ARVC; Arrhythmogenic right ventricular dysplasia. Identifiers: Orphanet 247, MedGen C0349788, MeSH D019571, MONDO:0016587. Disease mechanism: loss of function. Inheritance: Various modes of inheritance.

Allele frequency attached by ClinVar (database versions not stated): gnomAD exomes below 0.00001; ExAC 0.00001; gnomAD 0.00001; 1000 Genomes Project 30x 0.00016; 1000 Genomes Project 0.00020.
gnomAD v4.1: 3 of 1,604,762 alleles (0.00019%); highest among the groups gnomAD compares: African/African-American, 0.004%; no homozygotes.

Submissions (3):

GeneDx
Classification: Uncertain significance. Last evaluated: 2026-03-15. Review status: criteria provided, single submitter. Criteria: GeneDx Variant Classification Process June 2021. Collection method: clinical testing. Allele origin: germline.
Comment: Not observed at significant frequency in large population cohorts (gnomAD); In silico analysis supports that this missense variant has a deleterious effect on protein structure/function; Has not been previously published as pathogenic or benign to our knowledge

Labcorp Genetics (formerly Invitae), Labcorp
Classification: Uncertain significance for Arrhythmogenic right ventricular dysplasia 10. Last evaluated: 2025-12-14. Review status: criteria provided, single submitter. Criteria: Invitae Variant Classification Sherloc (09022015). Collection method: clinical testing. Allele origin: germline.
Comment: This sequence change replaces aspartic acid, which is acidic and polar, with histidine, which is basic and polar, at codon 475 of the DSG2 protein (p.Asp475His). This variant also falls at the last nucleotide of exon 10, which is part of the consensus splice site for this exon. This variant is present in population databases (rs187091767, gnomAD 0.007%). This variant has not been reported in the literature in individuals affected with DSG2-related conditions. ClinVar contains an entry for this variant (Variation ID: 3000954). Invitae Evidence Modeling of protein sequence and biophysical properties (such as structural, functional, and spatial information, amino acid conservation, physicochemical variation, residue mobility, and thermodynamic stability) indicates that this missense variant is not expected to disrupt DSG2 protein function with a negative predictive value of 95%. Variants that disrupt the consensus splice site are a relatively common cause of aberrant splicing (PMID: 17576681, 9536098). In summary, the available evidence is currently insufficient to determine the role of this variant in disease. Therefore, it has been classified as a Variant of Uncertain Significance.

All of Us Research Program, National Institutes of Health
Classification: Uncertain significance for Arrhythmogenic right ventricular cardiomyopathy. Last evaluated: 2023-12-13. Review status: criteria provided, single submitter. Criteria: ACMG Guidelines, 2015. Collection method: clinical testing. Allele origin: germline. Inheritance: Autosomal dominant inheritance. Observed: 1 variant allele, 1 heterozygote.
Comment: This missense variant replaces aspartic acid with histidine at codon 475 of the DSG2 protein. Computational prediction suggests that this variant may not impact protein structure and function (internally defined REVEL score threshold <= 0.5, PMID: 27666373). To our knowledge, functional studies have not been reported for this variant. This variant has not been reported in individuals affected with DSG2-related disorders in the literature. This variant has been identified in 1/247198 chromosomes in the general population by the Genome Aggregation Database (gnomAD). The available evidence is insufficient to determine the role of this variant in disease conclusively. Therefore, this variant is classified as a Variant of Uncertain Significance.

This study involves interpretation of variants in research participants for the purpose of population health screening. Participant phenotype was not available at the time of variant classification. Additional details can be found in publication PMID: 35346344, PMCID: PMC8962531

Literature cited by the submitters: PubMed 17576681 (cited by Labcorp Genetics (formerly Invitae), Labcorp); PubMed 9536098 (cited by Labcorp Genetics (formerly Invitae), Labcorp).